The following is an entry in ClinVar:

ClinVar aggregate classification (germline): Uncertain significance. Review status: criteria provided, multiple submitters, no conflicts (2 of 4 stars). 2 submissions from 2 submitters: Uncertain significance (2). Last evaluated 2025-12-20.

Conditions:
Cardiovascular phenotype. Identifiers: MedGen CN230736.

Allele frequency attached by ClinVar (database versions not stated): gnomAD 0.00001; gnomAD exomes 0.00001; TOPMed 0.00002.
gnomAD v4.1: 13 of 1,550,354 alleles (0.00084%); highest among the groups gnomAD compares: East Asian, 0.02%; no homozygotes.

Submissions (2):

Labcorp Genetics (formerly Invitae), Labcorp
Classification: Uncertain significance. Last evaluated: 2025-12-20. Review status: criteria provided, single submitter. Criteria: Invitae Variant Classification Sherloc (09022015). Collection method: clinical testing. Allele origin: germline.
Comment: This sequence change replaces glycine, which is neutral and non-polar, with arginine, which is basic and polar, at codon 3775 of the ZNF469 protein (p.Gly3775Arg). This variant is present in population databases (no rsID available, gnomAD 0.04%). This variant has not been reported in the literature in individuals affected with ZNF469-related conditions. ClinVar contains an entry for this variant (Variation ID: 1728690). An algorithm developed to predict the effect of missense changes on protein structure and function outputs the following: PolyPhen-2: "Benign". The arginine amino acid residue is found in multiple mammalian species, which suggests that this missense change does not adversely affect protein function. In summary, the available evidence is currently insufficient to determine the role of this variant in disease. Therefore, it has been classified as a Variant of Uncertain Significance.

Ambry Genetics
Classification: Uncertain significance for Cardiovascular phenotype. Last evaluated: 2019-07-24. Review status: criteria provided, single submitter. Criteria: Ambry Variant Classification Scheme 2023. Collection method: clinical testing. Allele origin: germline.
Comment: The p.G3775R variant (also known as c.11323G>A), located in coding exon 2 of the ZNF469 gene, results from a G to A substitution at nucleotide position 11323. The glycine at codon 3775 is replaced by arginine, an amino acid with dissimilar properties. This amino acid position is not well conserved in available vertebrate species. In addition, this alteration is predicted to be tolerated by in silico analysis. Since supporting evidence is limited at this time, the clinical significance of this alteration remains unclear.

NM_001367624.2(ZNF469):c.11407G>A (p.Gly3803Arg)

Gene: ZNF469 (zinc finger protein 469; plus strand). Cytogenetic location: 16q24.2.
Variant type: single nucleotide variant.
Coding change: c.11407G>A on transcript NM_001367624.2 (MANE Select); coding-DNA position 11407, G replaced by A.
Protein change: p.Gly3803Arg; replaces glycine 3803 with arginine.
Molecular consequence: missense variant.
Genome position (GRCh38, 1-based): chr16:88,438,877, G>A. VCF-style: chr16-88438877-G-A. GRCh37 (hg19) VCF-style: chr16-88505285-G-A.
Other names: NM_001127464.1:c.11323G>A; short protein forms G3803R.
Identifiers: ClinVar variation 1728690 (VCV001728690.3), dbSNP rs1386677534, ClinGen allele CA397130011.